The following is an entry in ClinVar:

ClinVar aggregate classification (germline): Conflicting classifications of pathogenicity. Review status: criteria provided, conflicting classifications (1 of 4 stars). 2 submissions from 2 submitters: Likely pathogenic (1); Uncertain significance (1). Last evaluated 2025-11-13.

Conditions:
Benign neonatal seizures. Also called: Benign familial neonatal seizures; Benign neonatal familial convulsions; Convulsions benign familial neonatal dominant form; Autosomal dominant form of benign neonatal seizures; Benign familial neonatal epilepsy. Identifiers: Orphanet 1949, MedGen C0220669, MONDO:0016027.

Submissions (2):

GeneDx
Classification: Likely pathogenic. Last evaluated: 2025-11-13. Review status: criteria provided, single submitter. Criteria: GeneDx Variant Classification Process June 2021. Collection method: clinical testing. Allele origin: germline.
Comment: Not observed at significant frequency in large population cohorts (gnomAD); In silico analysis supports that this missense variant has a deleterious effect on protein structure/function; Has not been previously published as pathogenic or benign to our knowledge

Labcorp Genetics (formerly Invitae), Labcorp
Classification: Uncertain significance for Benign neonatal seizures. Last evaluated: 2023-01-13. Review status: criteria provided, single submitter. Criteria: Invitae Variant Classification Sherloc (09022015). Collection method: clinical testing. Allele origin: germline.
Comment: This variant is not present in population databases (gnomAD no frequency). This sequence change replaces proline, which is neutral and non-polar, with leucine, which is neutral and non-polar, at codon 324 of the KCNQ3 protein (p.Pro324Leu). This variant has not been reported in the literature in individuals affected with KCNQ3-related conditions. Advanced modeling of protein sequence and biophysical properties (such as structural, functional, and spatial information, amino acid conservation, physicochemical variation, residue mobility, and thermodynamic stability) performed at Invitae indicates that this missense variant is expected to disrupt KCNQ3 protein function. In summary, the available evidence is currently insufficient to determine the role of this variant in disease. Therefore, it has been classified as a Variant of Uncertain Significance.

NM_004519.4(KCNQ3):c.971C>T (p.Pro324Leu)

Gene: KCNQ3 (potassium voltage-gated channel subfamily Q member 3; minus strand). Cytogenetic location: 8q24.22.
Variant type: single nucleotide variant.
Coding change: c.971C>T on transcript NM_004519.4 (MANE Select); coding-DNA position 971, C replaced by T.
Protein change: p.Pro324Leu; replaces proline 324 with leucine.
Molecular consequence: missense variant.
Genome position (GRCh38, 1-based): chr8:132,174,312, G>A on the plus strand (C>T on the coding strand, the complement: KCNQ3 is on the minus strand). VCF-style: chr8-132174312-G-A. GRCh37 (hg19) VCF-style: chr8-133186559-G-A.
Other names: c.971C>T (NM_004519.3); c.611C>T, p.Pro204Leu (NM_001204824.2); short protein forms P324L, P204L.
Identifiers: ClinVar variation 2828255 (VCV002828255.5), dbSNP rs2536941528, ClinGen allele CA372290195.